The following is an entry in ClinVar:

ClinVar aggregate classification (germline): Likely benign (1 of 4 stars; one submission).

Submission:

GeneDx
Classification: Likely benign. Last evaluated: 2016-02-24. Review status: criteria provided, single submitter. Criteria: GeneDx Variant Classification (06012015). Collection method: clinical testing. Allele origin: germline. Affected: yes.
Comment: This variant is considered likely benign or benign based on one or more of the following criteria: it is a conservative change, it occurs at a poorly conserved position in the protein, it is predicted to be benign by multiple in silico algorithms, and/or has population frequency not consistent with disease.

NM_005431.2(XRCC2):c.39+11C>T

Gene: XRCC2 (X-ray repair cross complementing 2; minus strand). Cytogenetic location: 7q36.1.
Variant type: single nucleotide variant.
Coding change: c.39+11C>T on transcript NM_005431.2 (MANE Select); 11 bases into the intron after coding-DNA position 39, C replaced by T.
Molecular consequence: intron variant.
Genome position (GRCh38, 1-based): chr7:152,676,030, G>A on the plus strand (C>T on the coding strand, the complement: XRCC2 is on the minus strand). VCF-style: chr7-152676030-G-A. GRCh37 (hg19) VCF-style: chr7-152373115-G-A.
Identifiers: ClinVar variation 384192 (VCV000384192.1), dbSNP rs1057521891, ClinGen allele CA16605198.